The following is an entry in ClinVar:

ClinVar aggregate classification (germline): Likely benign. Review status: criteria provided, single submitter (1 of 4 stars). 2 submissions from 2 submitters: Likely benign (1). 1 of the submissions does not count toward it. Last evaluated 2018-03-29.

Conditions:
HSPA9-related disorder. Also called: HSPA9-related condition.

Submissions (2):

Labcorp Genetics (formerly Invitae), Labcorp
Classification: Likely benign. Last evaluated: 2018-03-29. Review status: criteria provided, single submitter. Criteria: Invitae Variant Classification Sherloc (09022015). Collection method: clinical testing. Allele origin: germline.

PreventionGenetics, part of Exact Sciences
Classification: Likely benign for HSPA9-related condition. Last evaluated: 2020-02-20. Review status: no assertion criteria provided. Collection method: clinical testing. Allele origin: germline. Not counted in ClinVar's aggregate classification.
Comment: This variant is classified as likely benign based on ACMG/AMP sequence variant interpretation guidelines (Richards et al. 2015 PMID: 25741868, with internal and published modifications).

NM_004134.7(HSPA9):c.82-8dup

Gene: HSPA9 (heat shock protein family A (Hsp70) member 9; minus strand). Cytogenetic location: 5q31.2.
Variant type: Duplication.
Coding change: c.82-8dup on transcript NM_004134.7 (MANE Select); 8 bases into the intron before coding-DNA position 82, one base duplicated (T; older notation c.82-8dupT).
Molecular consequence: intron variant.
Genome position (GRCh38, 1-based): chr5:138,574,129, A duplicated on the plus strand (T on the coding strand, the reverse complement: HSPA9 is on the minus strand); the first of 6 consecutive A bases (chr5:138,574,129-138,574,134); duplicating any one gives the same sequence. VCF-style (leftmost placement, unchanged base first): chr5-138574128-T-TA. GRCh37 (hg19) VCF-style: chr5-137909817-T-TA.
Identifiers: ClinVar variation 737310 (VCV000737310.5), dbSNP rs539813314, ClinGen allele CA3431224.